The following is an entry in ClinVar:

NM_001974.5(ADGRE1):c.975T>C (p.Asp325=)

Gene: ADGRE1 (adhesion G protein-coupled receptor E1; plus strand). Cytogenetic location: 19p13.2.
Variant type: single nucleotide variant.
Coding change: c.975T>C on transcript NM_001974.5 (MANE Select); coding-DNA position 975, T replaced by C.
Protein change: p.Asp325=; no amino-acid change (aspartic acid 325 retained).
Molecular consequence: synonymous variant.
Genome position (GRCh38, 1-based): chr19:6,906,458, T>C. VCF-style: chr19-6906458-T-C. GRCh37 (hg19) VCF-style: chr19-6906469-T-C.
Other names: c.819T>C, p.Asp273= (NM_001256252.2); c.975T>C, p.Asp325= (NM_001256253.2); c.552T>C, p.Asp184= (NM_001256254.2); c.444T>C, p.Asp148= (NM_001256255.2).
Identifiers: ClinVar variation 3024979 (VCV003024979.22), dbSNP rs78491083, ClinGen allele CA9133360.
Genomic context (GRCh38, chr19:6,906,458, plus strand): 5'-GAAGTTTGGTTTGGTTGCTGTTGTTTTCTTCCTAGGGGTTCTCTTCAAATGTAAGGAAGA[T>C]GTGATACCCGATAATAAGCAGATCCAGCAATGCCAAGAGGGAACCGCAGTGAAACCTGCA-3'
Protein context (NP_001965.3, residues 315-335): CQRVLFKCKE[Asp325=]VIPDNKQIQQ

ClinVar aggregate classification (germline): Benign (1 of 4 stars; one submission).

Allele frequency attached by ClinVar (database versions not stated): 1000 Genomes Project 0.00399; 1000 Genomes Project 30x 0.00484; gnomAD 0.00632; ExAC 0.00654; TOPMed 0.00662; ESP Exome Variant Server 0.00684.
gnomAD v4.1: 14,357 of 1,613,896 alleles (0.89%); highest among the groups gnomAD compares: Non-Finnish European, 1.1%; 72 homozygotes.

Submission:

CeGaT Center for Human Genetics Tuebingen
Classification: Benign. Last evaluated: 2024-08-01. Review status: criteria provided, single submitter. Criteria: CeGaT Center For Human Genetics Tuebingen Variant Classification Criteria Version 2. Collection method: clinical testing. Allele origin: germline. Affected: yes. Observed: 2 variant alleles.
Comment: ADGRE1: BP4, BP7, BS1, BS2